The following is an entry in ClinVar:

ClinVar aggregate classification (germline): Uncertain significance. Review status: criteria provided, multiple submitters, no conflicts (2 of 4 stars). 2 submissions from 2 submitters: Uncertain significance (2). Last evaluated 2022-09-02.

Conditions:
Glycogen storage disease, type II (IOPD). Also called: Pompe Disease; CARDIOMEGALIA GLYCOGENICA DIFFUSA; Glycogen storage disease type 2; Acid maltase deficiency disease; Aglucosidase alfa; Deficiency of alpha-glucosidase. Identifiers: Orphanet 365, MedGen C0017921, MONDO:0009290, OMIM 232300.

Allele frequency attached by ClinVar (database versions not stated): ExAC 0.00001.
gnomAD v4.1: 2 of 1,609,626 alleles (0.00012%); highest among the groups gnomAD compares: Admixed American, 0.0034%; no homozygotes.

Submissions (2):

Clinical Genomics Laboratory, Stanford Medicine
Classification: Uncertain significance for Glycogen storage disease, type II. Last evaluated: 2022-09-02. Review status: criteria provided, single submitter. Criteria: ACMG Guidelines, 2015. Collection method: clinical testing. Allele origin: germline. Observed: 1 variant allele, 1 heterozygote.
Comment: The p.Leu624Phe variant in the GAA gene has not been previously reported in association with disease.This variant has been identified in 1/33486 Latino/Admixed American chromosomes by the Genome Aggregation Database. Computational tools predict that this variant is deleterious; however, the accuracy of in silico algorithms is limited.These data were assessed using the ACMG/AMP variant interpretation guidelines. In summary, the significance of the p.Leu624Phe variant is uncertain. Additional information is needed to resolve the significance of this variant. [ACMG evidence codes used: PM2; PP3

Labcorp Genetics (formerly Invitae), Labcorp
Classification: Uncertain significance for Glycogen storage disease, type II. Last evaluated: 2022-08-03. Review status: criteria provided, single submitter. Criteria: Invitae Variant Classification Sherloc (09022015). Collection method: clinical testing. Allele origin: germline.
Comment: In summary, the available evidence is currently insufficient to determine the role of this variant in disease. Therefore, it has been classified as a Variant of Uncertain Significance. Advanced modeling of protein sequence and biophysical properties (such as structural, functional, and spatial information, amino acid conservation, physicochemical variation, residue mobility, and thermodynamic stability) performed at Invitae indicates that this missense variant is expected to disrupt GAA protein function. This sequence change replaces leucine, which is neutral and non-polar, with phenylalanine, which is neutral and non-polar, at codon 624 of the GAA protein (p.Leu624Phe). This variant is present in population databases (rs764377962, gnomAD 0.003%). This variant has not been reported in the literature in individuals affected with GAA-related conditions. ClinVar contains an entry for this variant (Variation ID: 1009192).

NM_000152.5(GAA):c.1870C>T (p.Leu624Phe)

Gene: GAA (alpha glucosidase; plus strand). Cytogenetic location: 17q25.3.
Variant type: single nucleotide variant.
Coding change: c.1870C>T on transcript NM_000152.5 (MANE Select); coding-DNA position 1870, C replaced by T.
Protein change: p.Leu624Phe; replaces leucine 624 with phenylalanine.
Molecular consequence: missense variant.
Genome position (GRCh38, 1-based): chr17:80,112,693, C>T. VCF-style: chr17-80112693-C-T. GRCh37 (hg19) VCF-style: chr17-78086492-C-T.
Other names: c.1870C>T, p.Leu624Phe (NM_001079803.3, NM_001079804.3); short protein forms L624F.
Identifiers: ClinVar variation 1009192 (VCV001009192.12), dbSNP rs764377962, ClinGen allele CA8815502.